The following is an entry in ClinVar:

ClinVar aggregate classification (germline): Likely benign. Review status: criteria provided, multiple submitters, no conflicts (2 of 4 stars). 4 submissions from 4 submitters: Likely benign (3). 1 of the submissions does not count toward it. Last evaluated 2024-10-02.

Conditions:
GDF3-related disorder. Also called: GDF3-related condition.
Klippel-Feil syndrome 3, autosomal dominant (KFS3). Identifiers: Orphanet 2345, MedGen C3150967, MONDO:0013375, OMIM 613702.

Allele frequency attached by ClinVar (database versions not stated): gnomAD exomes 0.00023 and 0.00017; 1000 Genomes Project 30x 0.00016; ExAC 0.00016; gnomAD 0.00018 and 0.00020; 1000 Genomes Project 0.00020; TOPMed 0.00020; ESP Exome Variant Server 0.00023.

Submissions (4):

Blueprint Genetics
Classification: Likely benign. Last evaluated: 2024-10-02. Review status: criteria provided, single submitter. Criteria: ACMG Guidelines, 2015. Collection method: clinical testing. Allele origin: germline.

Labcorp Genetics (formerly Invitae), Labcorp
Classification: Likely benign for Klippel-Feil syndrome 3, autosomal dominant. Last evaluated: 2023-11-20. Review status: criteria provided, single submitter. Criteria: Invitae Variant Classification Sherloc (09022015). Collection method: clinical testing. Allele origin: germline.

Breakthrough Genomics
Classification: Likely benign. Review status: criteria provided, single submitter. Criteria: ACMG Guidelines, 2015. Collection method: not provided. Allele origin: germline. Inheritance: Autosomal dominant inheritance. Affected: yes.

PreventionGenetics, part of Exact Sciences
Classification: Likely benign for GDF3-related condition. Last evaluated: 2019-03-05. Review status: no assertion criteria provided. Collection method: clinical testing. Allele origin: germline. Not counted in ClinVar's aggregate classification.
Comment: This variant is classified as likely benign based on ACMG/AMP sequence variant interpretation guidelines (Richards et al. 2015 PMID: 25741868, with internal and published modifications).

NM_020634.3(GDF3):c.480C>T (p.Thr160=)

Gene: GDF3 (growth differentiation factor 3; minus strand). Cytogenetic location: 12p13.31.
Variant type: single nucleotide variant.
Coding change: c.480C>T on transcript NM_020634.3 (MANE Select); coding-DNA position 480, C replaced by T.
Protein change: p.Thr160=; no amino-acid change (threonine 160 retained).
Molecular consequence: synonymous variant.
Genome position (GRCh38, 1-based): chr12:7,690,493, G>A on the plus strand (C>T on the coding strand, the complement: GDF3 is on the minus strand). VCF-style: chr12-7690493-G-A. GRCh37 (hg19) VCF-style: chr12-7843089-G-A.
Other names: c.480C>T (NM_020634.2).
Identifiers: ClinVar variation 772340 (VCV000772340.11), dbSNP rs141133108, ClinGen allele CA6429218.